The following is an entry in ClinVar:

ClinVar aggregate classification (germline): Benign. Review status: criteria provided, multiple submitters, no conflicts (2 of 4 stars). 2 submissions from 2 submitters: Benign (2). Last evaluated 2018-01-13.

Conditions:
Achondrogenesis, type IA (ACG1A). Identifiers: Orphanet 932, Orphanet 93299, MedGen C0265273, MONDO:0008701, OMIM 200600.

Allele frequency attached by ClinVar (database versions not stated): 1000 Genomes Project 30x 0.26952; 1000 Genomes Project 0.27177; TOPMed 0.27902; gnomAD 0.29427; gnomAD exomes 0.33185.
gnomAD v4.1: 69,220 of 227,620 alleles (30%); highest among the groups gnomAD compares: East Asian, 39%; 10,950 homozygotes.

Submissions (6):

Illumina Laboratory Services, Illumina
Classification: Benign for Achondrogenesis, type IA. Last evaluated: 2018-01-13. Review status: criteria provided, single submitter. Criteria: ICSL Variant Classification Criteria 13 December 2019. Collection method: clinical testing. Allele origin: germline.
Comment: This variant was observed in the ICSL laboratory as part of a predisposition screen in an ostensibly healthy population. It had not been previously curated by ICSL or reported in the Human Gene Mutation Database (HGMD: prior to June 1st, 2018), and was therefore a candidate for classification through an automated scoring system. Utilizing variant allele frequency, disease prevalence and penetrance estimates, and inheritance mode, an automated score was calculated to assess if this variant is too frequent to cause the disease. Based on the score and internal cut-off values, a variant classified as benign is not then subjected to further curation. The score for this variant resulted in a classification of benign for this disease.

Breakthrough Genomics
Classification: Benign. Review status: criteria provided, single submitter. Criteria: ACMG Guidelines, 2015. Collection method: not provided. Allele origin: germline. Inheritance: Autosomal recessive inheritance. Affected: yes.

Dr. Peter K. Rogan Lab, Western University
No classification provided (evidence only). Condition: Cholangiocarcinoma. Review status: no classification provided. Collection method: in vitro. Allele origin: not applicable. Functional consequence: retained intron. Not counted in ClinVar's aggregate classification.

Dr. Peter K. Rogan Lab, Western University
No classification provided (evidence only). Condition: Cholangiocarcinoma. Review status: no classification provided. Collection method: in vitro. Allele origin: not applicable. Functional consequence: retained intron. Not counted in ClinVar's aggregate classification.

Dr. Peter K. Rogan Lab, Western University
No classification provided (evidence only). Condition: Cholangiocarcinoma. Review status: no classification provided. Collection method: in vitro. Allele origin: not applicable. Functional consequence: retained intron. Not counted in ClinVar's aggregate classification.

Dr. Peter K. Rogan Lab, Western University
No classification provided (evidence only). Condition: Uterine carcinosarcoma. Review status: no classification provided. Collection method: in vitro. Allele origin: not applicable. Functional consequence: retained intron. Not counted in ClinVar's aggregate classification.

NM_004239.4(TRIP11):c.*952A>T

Gene: TRIP11 (thyroid hormone receptor interactor 11; minus strand). Cytogenetic location: 14q32.12.
Variant type: single nucleotide variant.
Coding change: c.*952A>T on transcript NM_004239.4 (MANE Select); 952 bases downstream of the stop codon, A replaced by T.
Molecular consequence: 3 prime UTR variant.
Genome position (GRCh38, 1-based): chr14:91,968,721, T>A on the plus strand (A>T on the coding strand, the complement: TRIP11 is on the minus strand). VCF-style: chr14-91968721-T-A. GRCh37 (hg19) VCF-style: chr14-92435065-T-A.
Other names: NC_000014.8:g.92435065T>A; c.*952A>T (NM_001321851.1).
Identifiers: ClinVar variation 314902 (VCV000314902.7), dbSNP rs1133441, ClinGen allele CA10635526.